The following is an entry in ClinVar:

ClinVar aggregate classification (germline): Uncertain significance (1 of 4 stars; one submission).

Conditions:
Ververi-Brady syndrome. Identifiers: MedGen C4693824, MONDO:0979877, MONDO:0060707.

Allele frequency attached by ClinVar (database versions not stated): gnomAD exomes below 0.00001; ExAC 0.00001.
gnomAD v4.1: 1 of 1,614,062 alleles (0.000062%); highest among the groups gnomAD compares: South Asian, 0.0011%; no homozygotes.

Submission:

Foundation for Research in Genetics and Endocrinology, FRIGE's Institute of Human Genetics
Classification: Uncertain significance for Ververi-Brady syndrome 1. Last evaluated: 2023-05-02. Review status: criteria provided, single submitter. Criteria: ACMG Guidelines, 2015. Collection method: clinical testing. Allele origin: germline. Inheritance: Autosomal dominant inheritance. Affected: yes. Observed: 1 heterozygote.
Comment: A heterozygous missense variant in exon 3 of the QRICH1 gene that results in the amino acid substitution of Methionine for Valine at codon 200 (p.Val200Met) was detected. The variant has not been reported in the 1000 genomes, gnomAD (v3.1), gnomdAD (v2.1), and topmed databases. The in-silico prediction of the variant is damaging by LRT. The reference codon is conserved across species. In summary, the variant meets our criteria to be classified as variant of uncertain significance.

NM_198880.3(QRICH1):c.598G>A (p.Val200Met)

Gene: QRICH1 (glutamine rich 1; minus strand). Cytogenetic location: 3p21.31.
Variant type: single nucleotide variant.
Coding change: c.598G>A on transcript NM_198880.3 (MANE Select); coding-DNA position 598, G replaced by A.
Protein change: p.Val200Met; replaces valine 200 with methionine.
Molecular consequence: missense variant.
Genome position (GRCh38, 1-based): chr3:49,057,602, C>T on the plus strand (G>A on the coding strand, the complement: QRICH1 is on the minus strand). VCF-style: chr3-49057602-C-T. GRCh37 (hg19) VCF-style: chr3-49095035-C-T.
Other names: p.Val200Met; c.598G>A, p.Val200Met (NM_001320580.2, NM_001320581.2, NM_001320582.2 and 4 more transcripts); short protein forms V200M.
Identifiers: ClinVar variation 2501304 (VCV002501304.2), dbSNP rs778198417, ClinGen allele CA2391301.